The following is an entry in ClinVar:

NM_001267550.2(TTN):c.29717T>C (p.Ile9906Thr)

Gene: TTN (titin; minus strand). Cytogenetic location: 2q31.2.
Variant type: single nucleotide variant.
Coding change: c.29717T>C on transcript NM_001267550.2 (MANE Select); coding-DNA position 29717, T replaced by C.
Protein change: p.Ile9906Thr; replaces isoleucine 9906 with threonine.
Molecular consequence: missense variant. On other transcripts: intron variant (3).
Genome position (GRCh38, 1-based): chr2:178,704,755, A>G on the plus strand (T>C on the coding strand, the complement: TTN is on the minus strand). VCF-style: chr2-178704755-A-G. GRCh37 (hg19) VCF-style: chr2-179569482-A-G.
Other names: c.28766T>C, p.Ile9589Thr (NM_001256850.1); c.25985T>C, p.Ile8662Thr (NM_133378.4); c.13282+33327T>C (NM_003319.4); c.13858+33327T>C (NM_133437.4); c.13657+33327T>C (NM_133432.3); short protein forms I8662T, I9589T, I9906T.
Identifiers: ClinVar variation 3350635 (VCV003350635.2).
Genomic context (GRCh38, chr2:178,704,755, plus strand): 5'-TTAATTTTAATGTCAATTTCAAAGACAGCATCATTATCTTTCAAAACTGTCTGATTTTCA[A>G]TGTCCTTGATCAGAGTGACAGGCTAGGAGAATAAAGAATTAAAACACATTTGTTACTCCT-3'
Protein context (NP_001254479.2, residues 9896-9916): QTEPVTLIKD[Ile9906Thr]ENQTVLKDND

ClinVar aggregate classification (germline): Uncertain significance. Review status: criteria provided, single submitter (1 of 4 stars). 2 submissions from 2 submitters: Uncertain significance (1). 1 of the submissions does not count toward it. Last evaluated 2025-01-15.

Conditions:
TTN-related disorder. Also called: TTN-related disorders; TTN-related condition; TTN-related disease.

gnomAD v4.1: 5 of 1,610,332 alleles (0.00031%); highest among the groups gnomAD compares: Admixed American, 0.0017%; no homozygotes.

Submissions (2):

Revvity Omics, Revvity
Classification: Uncertain significance. Last evaluated: 2025-01-15. Review status: criteria provided, single submitter. Criteria: ACMG Guidelines, 2015. Collection method: clinical testing. Allele origin: germline.

PreventionGenetics, part of Exact Sciences
Classification: Uncertain significance for TTN-related condition. Last evaluated: 2024-05-15. Review status: no assertion criteria provided. Collection method: clinical testing. Allele origin: germline. Not counted in ClinVar's aggregate classification.
Comment: The TTN c.29717T>C variant is predicted to result in the amino acid substitution p.Ile9906Thr. To our knowledge, this variant has not been reported in the literature. This variant is reported in 0.0029% of alleles in individuals of Latino descent in gnomAD. At this time, the clinical significance of this variant is uncertain due to the absence of conclusive functional and genetic evidence.